The following is an entry in ClinVar:

NM_000465.4(BARD1):c.216-8_216-4del

Gene: BARD1 (BRCA1 associated RING domain 1; minus strand). Cytogenetic location: 2q35.
Variant type: Deletion.
Coding change: c.216-8_216-4del on transcript NM_000465.4 (MANE Select); 8 bases into the intron before coding-DNA position 216 through 4 bases into the intron before coding-DNA position 216, 5 bases deleted (TTTTA; older notation c.216-8_216-4delTTTTA).
Molecular consequence: intron variant.
Genome position (GRCh38, 1-based): chr2:214,792,449-214,792,453, TAAAA deleted on the plus strand (TTTTA on the coding strand, the reverse complement: BARD1 is on the minus strand); deleting any 5 consecutive bases within chr2:214,792,449-214,792,456 gives the same sequence; the c. name uses the placement nearest the transcript's 3' end. VCF-style (leftmost placement, unchanged base first): chr2-214792448-TTAAAA-T. GRCh37 (hg19) VCF-style: chr2-215657172-TTAAAA-T.
Other names: c.216-8_216-4del (LRG_297t1, NM_001282549.2); c.158+16959_158+16963del (NM_001282548.2); c.159-8_159-4del (NM_001282543.2); c.215+4608_215+4612del (NM_001282545.2).
Identifiers: ClinVar variation 628019 (VCV000628019.7), dbSNP rs1559437347, ClinGen allele CA913188043.
Genomic context (GRCh38, chr2:214,792,448, plus strand): 5'-CCAGGCCGGGGTGTAACACACTGGACATCCAGTTCCAATGCAGTCACTTACACAATTACT[TTAAAA>T]TAATTAAAAAAAAAAAAAAAAGCAACCCATTCAGCAGAATTTAATTCCAAAAACTAAACA-3'

ClinVar aggregate classification (germline): Conflicting classifications of pathogenicity. Review status: criteria provided, conflicting classifications (1 of 4 stars). 3 submissions from 3 submitters: Uncertain significance (1); Likely benign (2). Last evaluated 2024-09-09.

Conditions:
Familial cancer of breast. Also called: BREAST CANCER, FAMILIAL; Hereditary breast cancer; hereditary breast carcinoma. Identifiers: Orphanet 227535, MedGen C0346153, MONDO:0016419, OMIM 114480. Disease mechanism: loss of function.
Hereditary cancer-predisposing syndrome. Also called: Neoplastic Syndromes, Hereditary; Tumor predisposition; Hereditary neoplastic syndrome; Hereditary Cancer Syndrome. Identifiers: Orphanet 140162, MedGen C0027672, MeSH D009386, MONDO:0015356.

Submissions (3):

Labcorp Genetics (formerly Invitae), Labcorp
Classification: Likely benign for Familial cancer of breast. Last evaluated: 2024-09-09. Review status: criteria provided, single submitter. Criteria: Invitae Variant Classification Sherloc (09022015). Collection method: clinical testing. Allele origin: germline.

Myriad Genetics, Inc.
Classification: Likely benign for Familial cancer of breast. Last evaluated: 2024-07-19. Review status: criteria provided, single submitter. Criteria: Myriad Autosomal Dominant, Autosomal Recessive and X-Linked Classification Criteria (2023). Collection method: clinical testing. Allele origin: unknown.
Comment: This variant is considered likely benign. This variant is intronic and is not expected to impact mRNA splicing.

Color Diagnostics, LLC DBA Color Health
Classification: Uncertain significance for Hereditary cancer-predisposing syndrome. Last evaluated: 2019-06-23. Review status: criteria provided, single submitter. Criteria: ACMG Guidelines, 2015. Collection method: clinical testing. Allele origin: germline.